The following is an entry in ClinVar:

NM_207361.6(FREM2):c.6058del (p.Asp2020fs)

Gene: FREM2 (FRAS1 related extracellular matrix 2; plus strand). Cytogenetic location: 13q13.3.
Variant type: Deletion.
Coding change: c.6058del on transcript NM_207361.6 (MANE Select); coding-DNA position 6058, one base deleted (G; older notation c.6058delG).
Protein change: p.Asp2020fs; shifts the reading frame from aspartic acid 2020.
Molecular consequence: frameshift variant.
Genome position (GRCh38, 1-based): chr13:38,846,611, G deleted; the last of 2 consecutive G bases (chr13:38,846,610-38,846,611); deleting either gives the same sequence. VCF-style (leftmost placement, unchanged base first): chr13-38846609-TG-T. GRCh37 (hg19) VCF-style: chr13-39420746-TG-T.
Other names: short protein forms D2020fs.
Identifiers: ClinVar variation 2729631 (VCV002729631.3), dbSNP rs2541485398, ClinGen allele CA2697551810.

ClinVar aggregate classification (germline): Pathogenic (1 of 4 stars; one submission).

Submission:

Labcorp Genetics (formerly Invitae), Labcorp
Classification: Pathogenic. Last evaluated: 2023-06-27. Review status: criteria provided, single submitter. Criteria: Invitae Variant Classification Sherloc (09022015). Collection method: clinical testing. Allele origin: germline.
Comment: For these reasons, this variant has been classified as Pathogenic. This variant has not been reported in the literature in individuals affected with FREM2-related conditions. This variant is not present in population databases (gnomAD no frequency). This sequence change creates a premature translational stop signal (p.Asp2020Metfs*26) in the FREM2 gene. It is expected to result in an absent or disrupted protein product. Loss-of-function variants in FREM2 are known to be pathogenic (PMID: 18203166, 26552811).

Literature cited by the submitters: PubMed 18203166; PubMed 26552811.